The following is an entry in ClinVar:

ClinVar aggregate classification (germline): Uncertain significance (1 of 4 stars; one submission).

Conditions:
Aicardi-Goutieres syndrome 5. Identifiers: Orphanet 51, MedGen C2749659, MONDO:0013059, OMIM 612952.

Allele frequency attached by ClinVar (database versions not stated): gnomAD 0.00001.
gnomAD v4.1: 1 of 1,609,368 alleles (0.000062%); highest among the groups gnomAD compares: Non-Finnish European, 0.000085%; no homozygotes.

Submission:

Labcorp Genetics (formerly Invitae), Labcorp
Classification: Uncertain significance for Aicardi-Goutieres syndrome 5. Last evaluated: 2022-08-01. Review status: criteria provided, single submitter. Criteria: Invitae Variant Classification Sherloc (09022015). Collection method: clinical testing. Allele origin: germline.
Comment: In summary, the available evidence is currently insufficient to determine the role of this variant in disease. Therefore, it has been classified as a Variant of Uncertain Significance. Algorithms developed to predict the effect of sequence changes on RNA splicing suggest that this variant may disrupt the consensus splice site. This variant has not been reported in the literature in individuals affected with SAMHD1-related conditions. This variant is not present in population databases (gnomAD no frequency). This sequence change affects codon 317 of the SAMHD1 mRNA. It is a 'silent' change, meaning that it does not change the encoded amino acid sequence of the SAMHD1 protein.

NM_015474.4(SAMHD1):c.951C>T (p.Ala317=)

Gene: SAMHD1 (SAM and HD domain containing deoxynucleoside triphosphate triphosphohydrolase 1; minus strand). Cytogenetic location: 20q11.23.
Variant type: single nucleotide variant.
Coding change: c.951C>T on transcript NM_015474.4 (MANE Select); coding-DNA position 951, C replaced by T.
Protein change: p.Ala317=; no amino-acid change (alanine 317 retained).
Molecular consequence: synonymous variant.
Genome position (GRCh38, 1-based): chr20:36,916,951, G>A on the plus strand (C>T on the coding strand, the complement: SAMHD1 is on the minus strand). VCF-style: chr20-36916951-G-A. GRCh37 (hg19) VCF-style: chr20-35545354-G-A.
Other names: c.951C>T, p.Ala317= (NM_001363729.2, NM_001363733.2).
Identifiers: ClinVar variation 2120524 (VCV002120524.4), dbSNP rs2063479985, ClinGen allele CA510391272.